The following is an entry in ClinVar:

NM_014956.5(CEP164):c.1860A>T (p.Gln620His)

Gene: CEP164 (centrosomal protein 164; plus strand). Cytogenetic location: 11q23.3.
Variant type: single nucleotide variant.
Coding change: c.1860A>T on transcript NM_014956.5 (MANE Select); coding-DNA position 1860, A replaced by T.
Protein change: p.Gln620His; replaces glutamine 620 with histidine.
Molecular consequence: missense variant.
Genome position (GRCh38, 1-based): chr11:117,387,338, A>T. VCF-style: chr11-117387338-A-T. GRCh37 (hg19) VCF-style: chr11-117258054-A-T.
Other names: c.1869A>T, p.Gln623His (NM_001271933.2); c.1860A>T (NM_014956.4); short protein forms Q620H, Q623H.
Identifiers: ClinVar variation 1361876 (VCV001361876.12), dbSNP rs745707423, ClinGen allele CA6294881.

ClinVar aggregate classification (germline): Uncertain significance. Review status: criteria provided, multiple submitters, no conflicts (2 of 4 stars). 5 submissions from 5 submitters: Uncertain significance (5). Last evaluated 2026-06-05.

Conditions:
Nephronophthisis 15 (NPHP15). Identifiers: Orphanet 3156, MedGen C3541853, MONDO:0013917, OMIM 614845.
Inborn genetic diseases. Identifiers: MedGen C0950123, MeSH D030342.
CEP164-related disorder. Also called: CEP164-related condition.

Allele frequency attached by ClinVar (database versions not stated): ExAC 0.00001; gnomAD exomes 0.00001; gnomAD 0.00003 and 0.00004; TOPMed 0.00003.
gnomAD v4.1: 9 of 1,614,090 alleles (0.00056%); highest among the groups gnomAD compares: African/African-American, 0.0093%; no homozygotes.

Submissions (5):

Women's Health and Genetics/Laboratory Corporation of America, LabCorp
Classification: Uncertain significance. Last evaluated: 2026-06-05. Review status: criteria provided, single submitter. Criteria: LabCorp Variant Classification Summary - May 2015. Collection method: clinical testing. Allele origin: germline.
Comment: Variant summary: CEP164 c.1860A>T (p.Gln620His) results in a non-conservative amino acid change in the encoded protein sequence. Algorithms developed to predict the effect of missense changes on protein structure and function are either unavailable or do not agree on the potential impact of this missense change. The variant allele was found at a frequency of 8e-06 in 251170 control chromosomes. The available data on variant occurrences in the general population are insufficient to allow any conclusion about variant significance. To our knowledge, no occurrence of c.1860A>T in individuals affected with CEP164-related conditions and no experimental evidence demonstrating its impact on protein function have been reported. ClinVar contains an entry for this variant (Variation ID: 1361876). Based on the evidence outlined above, the variant was classified as uncertain significance.

PreventionGenetics, part of Exact Sciences
Classification: Uncertain significance for CEP164-related condition. Last evaluated: 2026-02-02. Review status: criteria provided, single submitter. Criteria: ACMG Guidelines, 2015. Collection method: clinical testing. Allele origin: germline.
Comment: The CEP164 c.1860A>T variant is predicted to result in the amino acid substitution p.Gln620His. To our knowledge, this variant has not been reported in the literature. This variant is reported in 0.0056% of alleles in individuals of Latino descent in gnomAD. At this time, the clinical significance of this variant is uncertain due to the absence of conclusive functional and genetic evidence.

Labcorp Genetics (formerly Invitae), Labcorp
Classification: Uncertain significance for Nephronophthisis 15. Last evaluated: 2025-10-16. Review status: criteria provided, single submitter. Criteria: Invitae Variant Classification Sherloc (09022015). Collection method: clinical testing. Allele origin: germline.
Comment: This sequence change replaces glutamine, which is neutral and polar, with histidine, which is basic and polar, at codon 620 of the CEP164 protein (p.Gln620His). This variant is present in population databases (rs745707423, gnomAD 0.006%). This variant has not been reported in the literature in individuals affected with CEP164-related conditions. ClinVar contains an entry for this variant (Variation ID: 1361876). Invitae Evidence Modeling of protein sequence and biophysical properties (such as structural, functional, and spatial information, amino acid conservation, physicochemical variation, residue mobility, and thermodynamic stability) has been performed for this missense variant. However, the output from this modeling did not meet the statistical confidence thresholds required to predict the impact of this variant on CEP164 protein function. In summary, the available evidence is currently insufficient to determine the role of this variant in disease. Therefore, it has been classified as a Variant of Uncertain Significance.

Fulgent Genetics
Classification: Uncertain significance for Nephronophthisis 15. Last evaluated: 2023-12-27. Review status: criteria provided, single submitter. Criteria: ACMG Guidelines, 2015. Collection method: clinical testing. Allele origin: germline.

Ambry Genetics
Classification: Uncertain significance for Inborn genetic diseases. Last evaluated: 2021-07-14. Review status: criteria provided, single submitter. Criteria: Ambry Variant Classification Scheme 2023. Collection method: clinical testing. Allele origin: germline.